The following is an entry in ClinVar:

ClinVar aggregate classification (germline): Uncertain significance. Review status: criteria provided, multiple submitters, no conflicts (2 of 4 stars). 2 submissions from 2 submitters: Uncertain significance (2). Last evaluated 2024-10-14.

Conditions:
DiGeorge syndrome. Also called: Catch22; THIRD AND FOURTH PHARYNGEAL POUCH SYNDROME. Identifiers: Orphanet 567, MedGen C0012236, MONDO:0008564, OMIM 188400.

Allele frequency attached by ClinVar (database versions not stated): ExAC 0.00002.

Submissions (2):

GeneDx
Classification: Uncertain significance. Last evaluated: 2024-10-14. Review status: criteria provided, single submitter. Criteria: GeneDx Variant Classification Process June 2021. Collection method: clinical testing. Allele origin: germline. Affected: yes.
Comment: In silico analysis supports that this missense variant has a deleterious effect on protein structure/function; Has not been previously published as pathogenic or benign to our knowledge

Labcorp Genetics (formerly Invitae), Labcorp
Classification: Uncertain significance for DiGeorge syndrome. Last evaluated: 2023-09-17. Review status: criteria provided, single submitter. Criteria: Invitae Variant Classification Sherloc (09022015). Collection method: clinical testing. Allele origin: germline.
Comment: This variant has not been reported in the literature in individuals affected with TBX1-related conditions. This variant is present in population databases (rs775592712, gnomAD 0.01%). This sequence change replaces leucine, which is neutral and non-polar, with phenylalanine, which is neutral and non-polar, at codon 159 of the TBX1 protein (p.Leu159Phe). In summary, the available evidence is currently insufficient to determine the role of this variant in disease. Therefore, it has been classified as a Variant of Uncertain Significance. Advanced modeling of protein sequence and biophysical properties (such as structural, functional, and spatial information, amino acid conservation, physicochemical variation, residue mobility, and thermodynamic stability) performed at Invitae indicates that this missense variant is not expected to disrupt TBX1 protein function.

NM_001379200.1(TBX1):c.502C>T (p.Leu168Phe)

Gene: TBX1 (T-box transcription factor 1; plus strand). Cytogenetic location: 22q11.21.
Variant type: single nucleotide variant.
Coding change: c.502C>T on transcript NM_001379200.1 (MANE Select); coding-DNA position 502, C replaced by T.
Protein change: p.Leu168Phe; replaces leucine 168 with phenylalanine.
Molecular consequence: missense variant.
Genome position (GRCh38, 1-based): chr22:19,763,305, C>T. VCF-style: chr22-19763305-C-T. GRCh37 (hg19) VCF-style: chr22-19750828-C-T.
Other names: c.475C>T, p.Leu159Phe (NM_005992.1, NM_080646.2, NM_080647.1); short protein forms L168F, L159F.
Identifiers: ClinVar variation 2724354 (VCV002724354.4), dbSNP rs775592712, ClinGen allele CA10102452.